The following is an entry in ClinVar:

ClinVar aggregate classification (germline): Likely benign (1 of 4 stars; one submission).

Allele frequency attached by ClinVar (database versions not stated): ExAC 0.00019.
gnomAD v4.1: 224 of 1,535,466 alleles (0.015%); highest among the groups gnomAD compares: Admixed American, 0.041%; no homozygotes.

Submission:

CeGaT Center for Human Genetics Tuebingen
Classification: Likely benign. Last evaluated: 2023-05-01. Review status: criteria provided, single submitter. Criteria: CeGaT Center For Human Genetics Tuebingen Variant Classification Criteria Version 2. Collection method: clinical testing. Allele origin: germline. Affected: yes. Observed: 1 variant allele.
Comment: FRMD1: BP4, BP7

NR_110312.2(FRMD1):n.115G>A

Gene: FRMD1 (FERM domain containing 1; minus strand). Cytogenetic location: 6q27.
Variant type: single nucleotide variant.
Molecular consequence: non-coding transcript variant (on NR_110312.2).
Genome position: GRCh38 VCF-style: chr6-168081443-C-T. GRCh37 (hg19) VCF-style: chr6-168482123-C-T.
Identifiers: ClinVar variation 2657140 (VCV002657140.24), dbSNP rs778626843, ClinGen allele CA4101681.